The following is an entry in ClinVar:

NM_020774.4(MIB1):c.2060G>A (p.Arg687His)

Gene: MIB1 (MIB E3 ubiquitin protein ligase 1; plus strand). Cytogenetic location: 18q11.2.
Variant type: single nucleotide variant.
Coding change: c.2060G>A on transcript NM_020774.4 (MANE Select); coding-DNA position 2060, G replaced by A.
Protein change: p.Arg687His; replaces arginine 687 with histidine.
Molecular consequence: missense variant.
Genome position (GRCh38, 1-based): chr18:21,844,102, G>A. VCF-style: chr18-21844102-G-A. GRCh37 (hg19) VCF-style: chr18-19424063-G-A.
Other names: short protein forms R687H.
Identifiers: ClinVar variation 3872834 (VCV003872834.1).

ClinVar aggregate classification (germline): Uncertain significance (1 of 4 stars; one submission).

Conditions:
Inborn genetic diseases. Identifiers: MedGen C0950123, MeSH D030342.

gnomAD v4.1: 15 of 1,613,708 alleles (0.00093%); highest among the groups gnomAD compares: Admixed American, 0.005%; no homozygotes.

Submission:

Ambry Genetics
Classification: Uncertain significance for Inborn genetic diseases. Last evaluated: 2025-02-06. Review status: criteria provided, single submitter. Criteria: Ambry Variant Classification Scheme 2023. Collection method: clinical testing. Allele origin: germline.
Comment: The p.R687H variant (also known as c.2060G>A), located in coding exon 15 of the MIB1 gene, results from a G to A substitution at nucleotide position 2060. The arginine at codon 687 is replaced by histidine, an amino acid with highly similar properties. This amino acid position is conserved. In addition, the in silico prediction for this alteration is inconclusive. Based on the available evidence, the clinical significance of this variant remains unclear.